The following is an entry in ClinVar:

ClinVar aggregate classification (germline): Uncertain significance. Review status: criteria provided, multiple submitters, no conflicts (2 of 4 stars). 4 submissions from 4 submitters: Uncertain significance (4). Last evaluated 2026-01-14.

Conditions:
Cardiovascular phenotype. Identifiers: MedGen CN230736.
Brugada syndrome. Also called: Sudden unexplained nocturnal death syndrome; Sudden Unexplained Death Syndrome; Sudden Unexplained Nocturnal Death Syndrome (SUNDS); Sudden unexpected nocturnal death syndrome. Identifiers: Orphanet 130, MedGen C1142166, MONDO:0015263.
Brugada syndrome 2 (BRGDA2). Identifiers: Orphanet 130, MedGen C2673193, MONDO:0012728, OMIM 611777.

Allele frequency attached by ClinVar (database versions not stated): TOPMed below 0.00001; ExAC 0.00001; gnomAD 0.00001; gnomAD exomes 0.00001.
gnomAD v4.1: 10 of 1,613,774 alleles (0.00062%); highest among the groups gnomAD compares: East Asian, 0.0022%; no homozygotes.

Submissions (4):

Labcorp Genetics (formerly Invitae), Labcorp
Classification: Uncertain significance for Brugada syndrome. Last evaluated: 2026-01-14. Review status: criteria provided, single submitter. Criteria: Invitae Variant Classification Sherloc (09022015). Collection method: clinical testing. Allele origin: germline.
Comment: This sequence change replaces arginine, which is basic and polar, with cysteine, which is neutral and slightly polar, at codon 139 of the GPD1L protein (p.Arg139Cys). This variant is present in population databases (rs771369026, gnomAD 0.01%). This variant has not been reported in the literature in individuals affected with GPD1L-related conditions. ClinVar contains an entry for this variant (Variation ID: 191446). Invitae Evidence Modeling of protein sequence and biophysical properties (such as structural, functional, and spatial information, amino acid conservation, physicochemical variation, residue mobility, and thermodynamic stability) indicates that this missense variant is not expected to disrupt GPD1L protein function with a negative predictive value of 80%. In summary, the available evidence is currently insufficient to determine the role of this variant in disease. Therefore, it has been classified as a Variant of Uncertain Significance.

Ambry Genetics
Classification: Uncertain significance for Cardiovascular phenotype. Last evaluated: 2025-05-07. Review status: criteria provided, single submitter. Criteria: Ambry Variant Classification Scheme 2023. Collection method: clinical testing. Allele origin: germline.
Comment: The p.R139C variant (also known as c.415C>T), located in coding exon 4 of the GPD1L gene, results from a C to T substitution at nucleotide position 415. The arginine at codon 139 is replaced by cysteine, an amino acid with highly dissimilar properties. This amino acid position is well conserved in available vertebrate species. In addition, the in silico prediction for this alteration is inconclusive. The evidence for this gene-disease relationship is limited; therefore, the clinical significance of this alteration is unclear.

Fulgent Genetics
Classification: Uncertain significance for Brugada syndrome 2. Last evaluated: 2021-08-11. Review status: criteria provided, single submitter. Criteria: ACMG Guidelines, 2015. Collection method: clinical testing. Allele origin: unknown.

Biesecker Lab/Clinical Genomics Section, National Institutes of Health
Classification: Uncertain significance. Last evaluated: 2013-06-24. Review status: criteria provided, single submitter. Criteria: Ng et al. (Circ Cardiovasc Genet. 2013). Collection method: research. Allele origin: unknown. Observed: 1 variant allele. Study: ClinSeq.
Comment: The study set was not selected for affection status in relation to any cancer. Pathogenicity categories were based on literature curation. See Pubmed ID:23861362 for details.

Medical sequencing

NM_015141.4(GPD1L):c.415C>T (p.Arg139Cys)

Gene: GPD1L (glycerol-3-phosphate dehydrogenase 1 like; plus strand). Cytogenetic location: 3p22.3.
Variant type: single nucleotide variant.
Coding change: c.415C>T on transcript NM_015141.4 (MANE Select); coding-DNA position 415, C replaced by T.
Protein change: p.Arg139Cys; replaces arginine 139 with cysteine.
Molecular consequence: missense variant.
Genome position (GRCh38, 1-based): chr3:32,140,276, C>T. VCF-style: chr3-32140276-C-T. GRCh37 (hg19) VCF-style: chr3-32181768-C-T.
Other names: short protein forms R139C.
Identifiers: ClinVar variation 191446 (VCV000191446.4), dbSNP rs771369026, ClinGen allele CA236686.
Genomic context (GRCh38, chr3:32,140,276, plus strand): 5'-GCATCCTTGTAGGGCATAGACGAGGGCCCCGAGGGGCTGAAGCTCATTTCTGACATCATC[C>T]GTGAGAAGATGGGTATTGACATCAGTGTGCTGATGGGAGCCAACATTGCCAATGAGGTGG-3'
Protein context (NP_055956.1, residues 129-149): EGLKLISDII[Arg139Cys]EKMGIDISVL